The following is an entry in ClinVar:

NM_139076.3(ABRAXAS1):c.1106G>A (p.Arg369Gln)

Gene: ABRAXAS1 (abraxas 1, BRCA1 A complex subunit; minus strand). Cytogenetic location: 4q21.23.
Variant type: single nucleotide variant.
Coding change: c.1106G>A on transcript NM_139076.3 (MANE Select); coding-DNA position 1106, G replaced by A.
Protein change: p.Arg369Gln; replaces arginine 369 with glutamine.
Molecular consequence: missense variant.
Genome position (GRCh38, 1-based): chr4:83,462,593, C>T on the plus strand (G>A on the coding strand, the complement: ABRAXAS1 is on the minus strand). VCF-style: chr4-83462593-C-T. GRCh37 (hg19) VCF-style: chr4-84383746-C-T.
Other names: c.779G>A, p.Arg260Gln (NM_001345962.2); short protein forms R260Q, R369Q.
Identifiers: ClinVar variation 1799633 (VCV001799633.10), dbSNP rs755313466, ClinGen allele CA357255120.

ClinVar aggregate classification (germline): Uncertain significance. Review status: criteria provided, multiple submitters, no conflicts (2 of 4 stars). 3 submissions from 3 submitters: Uncertain significance (3). Last evaluated 2023-12-14.

Conditions:
Malignant tumor of breast. Also called: Malignant breast neoplasm; Cancer breast. Identifiers: MedGen C0006142, MONDO:0007254. Disease mechanism: loss of function.

Allele frequency attached by ClinVar (database versions not stated): gnomAD 0.00003.
gnomAD v4.1: 26 of 1,613,914 alleles (0.0016%); highest among the groups gnomAD compares: South Asian, 0.0033%; no homozygotes.

Submissions (3):

Ambry Genetics
Classification: Uncertain significance. Last evaluated: 2023-12-14. Review status: criteria provided, single submitter. Criteria: Ambry Variant Classification Scheme 2023. Collection method: clinical testing. Allele origin: germline.
Comment: The p.R369Q variant (also known as c.1106G>A), located in coding exon 9 of the FAM175A gene, results from a G to A substitution at nucleotide position 1106. The arginine at codon 369 is replaced by glutamine, an amino acid with highly similar properties. This amino acid position is conserved. In addition, this alteration is predicted to be tolerated by in silico analysis. Since supporting evidence is limited at this time, the clinical significance of this alteration remains unclear.

Labcorp Genetics (formerly Invitae), Labcorp
Classification: Uncertain significance. Last evaluated: 2023-10-24. Review status: criteria provided, single submitter. Criteria: Invitae Variant Classification Sherloc (09022015). Collection method: clinical testing. Allele origin: germline.
Comment: This sequence change replaces arginine, which is basic and polar, with glutamine, which is neutral and polar, at codon 369 of the ABRAXAS1 protein (p.Arg369Gln). This variant is present in population databases (no rsID available, gnomAD 0.01%). This variant has not been reported in the literature in individuals affected with ABRAXAS1-related conditions. ClinVar contains an entry for this variant (Variation ID: 1799633). Algorithms developed to predict the effect of missense changes on protein structure and function output the following: SIFT: "Not Available"; PolyPhen-2: "Benign"; Align-GVGD: "Not Available". The glutamine amino acid residue is found in multiple mammalian species, which suggests that this missense change does not adversely affect protein function. In summary, the available evidence is currently insufficient to determine the role of this variant in disease. Therefore, it has been classified as a Variant of Uncertain Significance.

Laboratorio de Genetica e Diagnostico Molecular, Hospital Israelita Albert Einstein
Classification: Uncertain significance for Breast cancer. Last evaluated: 2022-08-17. Review status: criteria provided, single submitter. Criteria: ACMG Guidelines, 2015. Collection method: clinical testing. Allele origin: germline. Affected: yes.
Comment: ACMG classification criteria: PM2 moderated, BP4 supporting